The following is an entry in ClinVar:

ClinVar aggregate classification (germline): Likely benign (1 of 4 stars; one submission).

gnomAD v4.1: 7 of 1,614,060 alleles (0.00043%); highest among the groups gnomAD compares: African/African-American, 0.0067%; no homozygotes.

Submission:

Mayo Clinic Laboratories, Mayo Clinic
Classification: Likely benign. Last evaluated: 2025-02-03. Review status: criteria provided, single submitter. Criteria: ACMG Guidelines, 2015. Collection method: clinical testing. Allele origin: germline. Observed: 1 variant allele.
Comment: BP4, BP7, PM2_supporting

NM_032588.4(TRIM63):c.81G>A (p.Leu27=)

Gene: TRIM63 (tripartite motif containing 63; minus strand). Cytogenetic location: 1p36.11.
Variant type: single nucleotide variant.
Coding change: c.81G>A on transcript NM_032588.4 (MANE Select); coding-DNA position 81, G replaced by A.
Protein change: p.Leu27=; no amino-acid change (leucine 27 retained).
Molecular consequence: synonymous variant.
Genome position (GRCh38, 1-based): chr1:26,067,414, C>T on the plus strand (G>A on the coding strand, the complement: TRIM63 is on the minus strand). VCF-style: chr1-26067414-C-T. GRCh37 (hg19) VCF-style: chr1-26393905-C-T.
Other names: p.Leu27=.
Identifiers: ClinVar variation 4684789 (VCV004684789.1).